The following is an entry in ClinVar:

ClinVar aggregate classification (germline): Uncertain significance (1 of 4 stars; one submission).

Allele frequency attached by ClinVar (database versions not stated): TOPMed below 0.00001; gnomAD 0.00001.

Submission:

Labcorp Genetics (formerly Invitae), Labcorp
Classification: Uncertain significance. Last evaluated: 2021-12-13. Review status: criteria provided, single submitter. Criteria: Invitae Variant Classification Sherloc (09022015). Collection method: clinical testing. Allele origin: germline.
Comment: In summary, the available evidence is currently insufficient to determine the role of this variant in disease. Therefore, it has been classified as a Variant of Uncertain Significance. Algorithms developed to predict the effect of sequence changes on RNA splicing suggest that this variant may disrupt the consensus splice site. This variant has not been reported in the literature in individuals affected with ITGAM-related conditions. This variant is not present in population databases (gnomAD no frequency). This sequence change falls in intron 13 of the ITGAM gene. It does not directly change the encoded amino acid sequence of the ITGAM protein.

NM_000632.4(ITGAM):c.1498-6T>G

Gene: ITGAM (integrin subunit alpha M; plus strand). Cytogenetic location: 16p11.2.
Variant type: single nucleotide variant.
Coding change: c.1498-6T>G on transcript NM_000632.4 (MANE Select); 6 bases into the intron before coding-DNA position 1498, T replaced by G.
Molecular consequence: intron variant.
Genome position (GRCh38, 1-based): chr16:31,297,739, T>G. VCF-style: chr16-31297739-T-G. GRCh37 (hg19) VCF-style: chr16-31309060-T-G.
Other names: c.1498-3T>G (NM_001145808.2).
Identifiers: ClinVar variation 2041947 (VCV002041947.4), dbSNP rs1279811787, ClinGen allele CA719953598.